The following is an entry in ClinVar:

ClinVar aggregate classification (germline): Pathogenic. Review status: reviewed by expert panel (3 of 4 stars). 9 submissions from 9 submitters: Pathogenic (1). 8 of the submissions do not count toward it. Last evaluated 2016-09-08.

Conditions:
Hereditary cancer-predisposing syndrome. Also called: Neoplastic Syndromes, Hereditary; Tumor predisposition; Hereditary neoplastic syndrome; Hereditary Cancer Syndrome. Identifiers: Orphanet 140162, MedGen C0027672, MeSH D009386, MONDO:0015356.
Breast-ovarian cancer, familial, susceptibility to, 2 (BROVCA2). Also called: BRCA2 Hereditary Breast and Ovarian Cancer. Identifiers: Orphanet 145, MedGen C2675520, MONDO:0012933, OMIM 612555. Disease mechanism: loss of function.
Hereditary breast ovarian cancer syndrome. Also called: Hereditary breast and ovarian cancer syndrome; Hereditary breast and ovarian cancer; Hereditary breast and ovarian cancer syndrome (HBOC); Breast and ovarian cancer; Hereditary breast and/or ovarian cancer syndrome; BRCA1- and BRCA2-Associated Hereditary Breast and Ovarian Cancer. Identifiers: Orphanet 145, MedGen C0677776, MeSH D061325, MONDO:0003582. Disease mechanism: loss of function.

Submissions (9):

Evidence-based Network for the Interpretation of Germline Mutant Alleles (ENIGMA)
Classification: Pathogenic for Breast-ovarian cancer, familial, susceptibility to, 2. Last evaluated: 2016-09-08. Review status: reviewed by expert panel. Criteria: ENIGMA BRCA1/2 Classification Criteria (2015). Collection method: curation. Allele origin: germline.
Comment: Variant allele predicted to encode a truncated non-functional protein.

Ambry Genetics
Classification: Pathogenic for Hereditary cancer-predisposing syndrome. Last evaluated: 2023-07-20. Review status: criteria provided, single submitter. Criteria: Ambry Variant Classification Scheme 2023. Collection method: clinical testing. Allele origin: germline. Not counted in ClinVar's aggregate classification.
Comment: The c.767_768delCA pathogenic mutation, located in coding exon 8 of the BRCA2 gene, results from a deletion of two nucleotides at positions 767 and 768, causing a translational frameshift with a predicted alternate stop codon (p.T256Kfs*19). Additionally, it has been identified in a Chinese breast cancer cohort (Lang GT et al. Int J Cancer. 2017 Jul 1;141(1):129-142). In addition to the clinical data presented in the literature, this alteration is expected to result in loss of function by premature protein truncation or nonsense-mediated mRNA decay. As such, this alteration is interpreted as a disease-causing mutation.

MGZ Medical Genetics Center
Classification: Likely pathogenic for Breast-ovarian cancer, familial, susceptibility to, 2. Last evaluated: 2022-03-18. Review status: criteria provided, single submitter. Criteria: ACMG Guidelines, 2015. Collection method: clinical testing. Allele origin: germline. Affected: yes. Observed: 1 variant allele. Not counted in ClinVar's aggregate classification.
Comment: ACMG criteria applied: PVS1, PM2_SUP

Labcorp Genetics (formerly Invitae), Labcorp
Classification: Pathogenic for Hereditary breast ovarian cancer syndrome. Last evaluated: 2021-08-19. Review status: criteria provided, single submitter. Criteria: Invitae Variant Classification Sherloc (09022015). Collection method: clinical testing. Allele origin: germline. Not counted in ClinVar's aggregate classification.
Comment: For these reasons, this variant has been classified as Pathogenic. Loss-of-function variants in BRCA2 are known to be pathogenic (PMID: 20104584). This variant has been reported in an individual affected with Hodgkin’s lymphoma and breast cancer (PMID: 24980567). ClinVar contains an entry for this variant (Variation ID: 52382). This variant is not present in population databases (ExAC no frequency). This sequence change creates a premature translational stop signal (p.Thr256Lysfs*19) in the BRCA2 gene. It is expected to result in an absent or disrupted protein product.

Color Diagnostics, LLC DBA Color Health
Classification: Pathogenic for Hereditary cancer-predisposing syndrome. Last evaluated: 2020-05-14. Review status: criteria provided, single submitter. Criteria: ACMG Guidelines, 2015. Collection method: clinical testing. Allele origin: germline. Not counted in ClinVar's aggregate classification.
Comment: This variant deletes 2 nucleotides in exon 9 of the BRCA2 gene, creating a frameshift and premature translation stop signal. This variant is expected to result in an absent or non-functional protein product. To our knowledge, this variant has not been reported in individuals affected with hereditary cancer in the literature. This variant has not been identified in the general population by the Genome Aggregation Database (gnomAD). Loss of BRCA2 function is a known mechanism of disease. Based on the available evidence, this variant is classified as Pathogenic.

Quest Diagnostics Nichols Institute San Juan Capistrano
Classification: Pathogenic. Last evaluated: 2017-10-06. Review status: criteria provided, single submitter. Criteria: Quest Diagnostics criteria. Collection method: clinical testing. Allele origin: germline. Not counted in ClinVar's aggregate classification.

Consortium of Investigators of Modifiers of BRCA1/2 (CIMBA), c/o University of Cambridge
Classification: Pathogenic for Breast-ovarian cancer, familial, susceptibility to, 2. Last evaluated: 2015-10-02. Review status: criteria provided, single submitter. Criteria: CIMBA Mutation Classification guidelines May 2016. Collection method: clinical testing. Allele origin: germline. Not counted in ClinVar's aggregate classification.

Research Molecular Genetics Laboratory, Women's College Hospital, University of Toronto
Classification: Pathogenic for Hereditary breast ovarian cancer syndrome. Last evaluated: 2014-01-31. Review status: no assertion criteria provided. Collection method: research. Allele origin: germline. Affected: yes. Study: The Canadian Open Genetics Repository (COGR). Not counted in ClinVar's aggregate classification.

Breast Cancer Information Core (BIC) (BRCA2)
Classification: Pathogenic for Breast-ovarian cancer, familial 2. Last evaluated: 1998-11-30. Review status: no assertion criteria provided. Collection method: clinical testing. Allele origin: germline. Affected: yes. Observed: 1 variant allele. Not counted in ClinVar's aggregate classification.

Literature cited by the submitters: PubMed 21702907 (cited by Ambry Genetics); PubMed 24565270 (cited by Ambry Genetics); PubMed 24980567 (cited by Ambry Genetics and Labcorp Genetics (formerly Invitae), Labcorp); PubMed 20104584 (cited by Labcorp Genetics (formerly Invitae), Labcorp).

NM_000059.4(BRCA2):c.767_768del (p.Thr256fs)

Gene: BRCA2 (BRCA2 DNA repair associated; plus strand). Cytogenetic location: 13q13.1.
Variant type: Microsatellite.
Coding change: c.767_768del on transcript NM_000059.4 (MANE Select); coding-DNA positions 767 to 768, 2 bases deleted (CA; older notation c.767_768delCA).
Protein change: p.Thr256fs; shifts the reading frame from threonine 256.
Molecular consequence: frameshift variant.
Genome position (GRCh38, 1-based): chr13:32,331,004-32,331,005, CA deleted; deleting any 2 consecutive bases within chr13:32,331,001-32,331,005 gives the same sequence; the c. name uses the placement nearest the transcript's 3' end. VCF-style (leftmost placement, unchanged base first): chr13-32331000-AAC-A. GRCh37 (hg19) VCF-style: chr13-32905137-AAC-A.
Other names: 995delCA; c.767_768delCA (NM_000059.3); short protein forms T256fs.
Identifiers: ClinVar variation 52382 (VCV000052382.23), dbSNP rs80359670, ClinGen allele CA025221.